The following is an entry in ClinVar:

NM_002381.5(MATN3):c.*759C>T

Genes: MATN3 (matrilin 3; minus strand), WDR35-DT (WDR35 divergent transcript; plus strand). Cytogenetic location: 2p24.1.
Variant type: single nucleotide variant.
Coding change: c.*759C>T on transcript NM_002381.5 (MANE Select); 759 bases downstream of the stop codon, C replaced by T.
Molecular consequence: 3 prime UTR variant.
Genome position (GRCh38, 1-based): chr2:19,992,352, G>A on the plus strand (C>T on the coding strand, the complement: MATN3 is on the minus strand). VCF-style: chr2-19992352-G-A. GRCh37 (hg19) VCF-style: chr2-20192113-G-A.
Identifiers: ClinVar variation 897163 (VCV000897163.4), dbSNP rs190300120, ClinGen allele CA43395295.
Genomic context (GRCh38, chr2:19,992,352, plus strand): 5'-ACTTTGGGAGGCTGAGGCAGGTGGATCACTAACATTAAAAAGACAACATTAGATTTTGTC[G>A]ATTTATAGCAATTTTATAAATATATAACTTTGTCACTTGGATCCTGAAGCAAAATAATAA-3'

ClinVar aggregate classification (germline): Benign (1 of 4 stars; one submission).

Conditions:
Multiple epiphyseal dysplasia type 5 (EDM5). Also called: MATN3-Related Multiple Epiphyseal Dysplasia; Microepiphyseal dysplasia, bilateral hereditary. Identifiers: Orphanet 93311, MedGen C1846843, MONDO:0011765, OMIM 607078.

Allele frequency attached by ClinVar (database versions not stated): 1000 Genomes Project 0.00040; 1000 Genomes Project 30x 0.00094; TOPMed 0.00207; gnomAD 0.00359 and 0.00377.

Submission:

Illumina Laboratory Services, Illumina
Classification: Benign for Multiple epiphyseal dysplasia type 5. Last evaluated: 2018-01-12. Review status: criteria provided, single submitter. Criteria: ICSL Variant Classification Criteria 13 December 2019. Collection method: clinical testing. Allele origin: germline.
Comment: This variant was observed in the ICSL laboratory as part of a predisposition screen in an ostensibly healthy population. It had not been previously curated by ICSL or reported in the Human Gene Mutation Database (HGMD: prior to June 1st, 2018), and was therefore a candidate for classification through an automated scoring system. Utilizing variant allele frequency, disease prevalence and penetrance estimates, and inheritance mode, an automated score was calculated to assess if this variant is too frequent to cause the disease. Based on the score and internal cut-off values, a variant classified as benign is not then subjected to further curation. The score for this variant resulted in a classification of benign for this disease.